The following is an entry in ClinVar:

NM_000059.4(BRCA2):c.2210C>A (p.Ala737Glu)

Gene: BRCA2 (BRCA2 DNA repair associated; plus strand). Cytogenetic location: 13q13.1.
Variant type: single nucleotide variant.
Coding change: c.2210C>A on transcript NM_000059.4 (MANE Select); coding-DNA position 2210, C replaced by A.
Protein change: p.Ala737Glu; replaces alanine 737 with glutamic acid.
Molecular consequence: missense variant. On other transcripts: non-coding transcript variant (1), intron variant (2).
Genome position (GRCh38, 1-based): chr13:32,336,565, C>A. VCF-style: chr13-32336565-C-A. GRCh37 (hg19) VCF-style: chr13-32910702-C-A.
Other names: c.2210C>A, p.Ala737Glu (NM_001406719.1, NM_001406720.1); c.1909+3178C>A (NM_001406721.1); c.424+5535C>A (NM_001406722.1); short protein forms A737E.
Identifiers: ClinVar variation 2566037 (VCV002566037.2), dbSNP rs876660923, ClinGen allele CA387770577.
Genomic context (GRCh38, chr13:32,336,565, plus strand): 5'-GTGAAAATGATCCAAAAAGCAAAAAAGTTTCAGATATAAAAGAAGAGGTCTTGGCTGCAG[C>A]ATGTCACCCAGTACAACATTCAAAAGTGGAATACAGTGATACTGACTTTCAATCCCAGAA-3'
Protein context (NP_000050.3, residues 727-747): SDIKEEVLAA[Ala737Glu]CHPVQHSKVE

ClinVar aggregate classification (germline): Uncertain significance (1 of 4 stars; one submission).

Conditions:
Hereditary cancer-predisposing syndrome. Also called: Neoplastic Syndromes, Hereditary; Hereditary Cancer Syndrome; Hereditary neoplastic syndrome; Tumor predisposition. Identifiers: Orphanet 140162, MedGen C0027672, MeSH D009386, MONDO:0015356.

Submission:

Ambry Genetics
Classification: Uncertain significance for Hereditary cancer-predisposing syndrome. Last evaluated: 2023-05-18. Review status: criteria provided, single submitter. Criteria: Ambry Variant Classification Scheme 2023. Collection method: clinical testing. Allele origin: germline.
Comment: The p.A737E variant (also known as c.2210C>A), located in coding exon 10 of the BRCA2 gene, results from a C to A substitution at nucleotide position 2210. The alanine at codon 737 is replaced by glutamic acid, an amino acid with dissimilar properties. This amino acid position is conserved. In addition, this alteration is predicted to be tolerated by in silico analysis. Since supporting evidence is limited at this time, the clinical significance of this alteration remains unclear.